The following is an entry in ClinVar:

ClinVar aggregate classification (germline): Uncertain significance (1 of 4 stars; one submission).

Conditions:
Oligodontia-cancer predisposition syndrome. Also called: TOOTH AGENESIS-COLORECTAL CANCER SYNDROME. Identifiers: Orphanet 300576, MedGen C1837750, MONDO:0012075, OMIM 608615. Disease mechanism: loss of function.

Submission:

Labcorp Genetics (formerly Invitae), Labcorp
Classification: Uncertain significance for Oligodontia-cancer predisposition syndrome. Last evaluated: 2020-01-08. Review status: criteria provided, single submitter. Criteria: Invitae Variant Classification Sherloc (09022015). Collection method: clinical testing. Allele origin: germline.
Comment: Algorithms developed to predict the effect of missense changes on protein structure and function (SIFT, PolyPhen-2, Align-GVGD) all suggest that this variant is likely to be disruptive, but these predictions have not been confirmed by published functional studies and their clinical significance is uncertain. This variant has not been reported in the literature in individuals with AXIN2-related conditions. This variant is not present in population databases (ExAC no frequency). This sequence change replaces isoleucine with threonine at codon 134 of the AXIN2 protein (p.Ile134Thr). The isoleucine residue is highly conserved and there is a moderate physicochemical difference between isoleucine and threonine. In summary, the available evidence is currently insufficient to determine the role of this variant in disease. Therefore, it has been classified as a Variant of Uncertain Significance.

NM_004655.4(AXIN2):c.401T>C (p.Ile134Thr)

Gene: AXIN2 (axin 2; minus strand). Cytogenetic location: 17q24.1.
Variant type: single nucleotide variant.
Coding change: c.401T>C on transcript NM_004655.4 (MANE Select); coding-DNA position 401, T replaced by C.
Protein change: p.Ile134Thr; replaces isoleucine 134 with threonine.
Molecular consequence: missense variant.
Genome position (GRCh38, 1-based): chr17:65,558,220, A>G on the plus strand (T>C on the coding strand, the complement: AXIN2 is on the minus strand). VCF-style: chr17-65558220-A-G. GRCh37 (hg19) VCF-style: chr17-63554338-A-G.
Other names: c.401T>C, p.Ile134Thr (NM_001363813.1); short protein forms I134T.
Identifiers: ClinVar variation 1026871 (VCV001026871.9), dbSNP rs2044302573, ClinGen allele CA400681475.